The following is an entry in ClinVar:

NM_206933.4(USH2A):c.7436C>T (p.Thr2479Ile)

Gene: USH2A (usherin; minus strand). Cytogenetic location: 1q41.
Variant type: single nucleotide variant.
Coding change: c.7436C>T on transcript NM_206933.4 (MANE Select); coding-DNA position 7436, C replaced by T.
Protein change: p.Thr2479Ile; replaces threonine 2479 with isoleucine.
Molecular consequence: missense variant.
Genome position (GRCh38, 1-based): chr1:215,900,770, G>A on the plus strand (C>T on the coding strand, the complement: USH2A is on the minus strand). VCF-style: chr1-215900770-G-A. GRCh37 (hg19) VCF-style: chr1-216074112-G-A.
Other names: short protein forms T2479I.
Identifiers: ClinVar variation 229627 (VCV000229627.9), dbSNP rs876658115, ClinGen allele CA10576379.

ClinVar aggregate classification (germline): Uncertain significance. Review status: criteria provided, multiple submitters, no conflicts (2 of 4 stars). 6 submissions from 5 submitters: Uncertain significance (4). 2 of the submissions do not count toward it. Last evaluated 2023-11-04.

Conditions:
Retinitis pigmentosa 39 (RP39). Identifiers: Orphanet 791, MedGen C3151138, MONDO:0013436, OMIM 613809.
Usher syndrome type 2A. Also called: RETINAL DISEASE IN USHER SYNDROME TYPE IIA, MODIFIER OF; USHER SYNDROME, TYPE IIA. Identifiers: Orphanet 231178, Orphanet 886, MedGen C1848634, MONDO:0010169, OMIM 276901.

Allele frequency attached by ClinVar (database versions not stated): gnomAD exomes 0.00002 and below 0.00001; gnomAD 0.00001; TOPMed 0.00001.
gnomAD v4.1: 6 of 1,613,672 alleles (0.00037%); highest among the groups gnomAD compares: Admixed American, 0.0067%; no homozygotes.

Submissions (6):

Genome-Nilou Lab
Classification: Uncertain significance for Retinitis pigmentosa 39. Last evaluated: 2023-11-04. Review status: criteria provided, single submitter. Criteria: ACMG Guidelines, 2015. Collection method: clinical testing. Allele origin: germline. Affected: no.

Genome-Nilou Lab
Classification: Uncertain significance for Usher syndrome type 2A. Last evaluated: 2023-11-04. Review status: criteria provided, single submitter. Criteria: ACMG Guidelines, 2015. Collection method: clinical testing. Allele origin: germline. Affected: no.

Labcorp Genetics (formerly Invitae), Labcorp
Classification: Uncertain significance. Last evaluated: 2021-09-17. Review status: criteria provided, single submitter. Criteria: Invitae Variant Classification Sherloc (09022015). Collection method: clinical testing. Allele origin: germline.
Comment: This sequence change replaces threonine with isoleucine at codon 2479 of the USH2A protein (p.Thr2479Ile). The threonine residue is highly conserved and there is a moderate physicochemical difference between threonine and isoleucine. This variant is not present in population databases (ExAC no frequency). This variant has not been reported in the literature in individuals with USH2A-related conditions. ClinVar contains an entry for this variant (Variation ID: 229627). Algorithms developed to predict the effect of missense changes on protein structure and function are either unavailable or do not agree on the potential impact of this missense change (SIFT: "Deleterious"; PolyPhen-2: "Possibly Damaging"; Align-GVGD: "Class C15"). In summary, the available evidence is currently insufficient to determine the role of this variant in disease. Therefore, it has been classified as a Variant of Uncertain Significance.

Laboratory for Molecular Medicine, Mass General Brigham Personalized Medicine
Classification: Uncertain significance. Last evaluated: 2016-01-19. Review status: criteria provided, single submitter. Criteria: LMM Criteria. Collection method: clinical testing. Allele origin: germline. Observed: 1 variant allele.
Comment: The p.Thr2479Ile variant in USH2A has not been previously reported in individual s with hearing loss or in large population studies. Computational prediction too ls and conservation analyses do not provide strong support for or against an imp act to the protein. In summary, the clinical significance of the p.Thr2479Ile va riant is uncertain.

Natera, Inc.
Classification: Uncertain significance for Usher syndrome type 2A. Last evaluated: 2020-09-02. Review status: no assertion criteria provided. Collection method: clinical testing. Allele origin: germline. Not counted in ClinVar's aggregate classification.

Counsyl
Classification: Uncertain significance for Usher syndrome type 2A; Retinitis pigmentosa 39. Last evaluated: 2017-07-05. Review status: no assertion criteria provided. Collection method: clinical testing. Allele origin: unknown. Not counted in ClinVar's aggregate classification.